The following is an entry in ClinVar:

ClinVar aggregate classification (germline): Uncertain significance. Review status: criteria provided, multiple submitters, no conflicts (2 of 4 stars). 3 submissions from 3 submitters: Uncertain significance (3). Last evaluated 2024-12-15.

Conditions:
Inborn genetic diseases. Identifiers: MedGen C0950123, MeSH D030342.
Microcephaly-intellectual disability-sensorineural hearing loss-epilepsy-abnormal muscle tone syndrome (NEDHSB). Also called: NEURODEVELOPMENTAL DISORDER WITH HEARING LOSS, SEIZURES, AND BRAIN ABNORMALITIES. Identifiers: Orphanet 457351, MedGen C4225276, MONDO:0014698, OMIM 616577.

Allele frequency attached by ClinVar (database versions not stated): ExAC 0.00004; gnomAD exomes 0.00004 and 0.00007; ESP Exome Variant Server 0.00015; 1000 Genomes Project 30x 0.00016; 1000 Genomes Project 0.00020; TOPMed 0.00028; gnomAD 0.00030 and 0.00033.
gnomAD v4.1: 103 of 1,591,388 alleles (0.0065%); highest among the groups gnomAD compares: African/African-American, 0.1%; 1 homozygote.

Submissions (3):

GeneDx
Classification: Uncertain significance. Last evaluated: 2024-12-15. Review status: criteria provided, single submitter. Criteria: GeneDx Variant Classification Process June 2021. Collection method: clinical testing. Allele origin: germline. Affected: yes.
Comment: In silico analysis indicates that this missense variant does not alter protein structure/function; Has not been previously published as pathogenic or benign to our knowledge

Ambry Genetics
Classification: Uncertain significance for Inborn genetic diseases. Last evaluated: 2023-06-26. Review status: criteria provided, single submitter. Criteria: Ambry Variant Classification Scheme 2023. Collection method: clinical testing. Allele origin: germline.

Labcorp Genetics (formerly Invitae), Labcorp
Classification: Uncertain significance for Microcephaly-intellectual disability-sensorineural hearing loss-epilepsy-abnormal muscle tone syndrome. Last evaluated: 2022-11-01. Review status: criteria provided, single submitter. Criteria: Invitae Variant Classification Sherloc (09022015). Collection method: clinical testing. Allele origin: germline.
Comment: This sequence change replaces valine, which is neutral and non-polar, with methionine, which is neutral and non-polar, at codon 146 of the SPATA5 protein (p.Val146Met). This variant is present in population databases (rs374771569, gnomAD 0.08%). This variant has not been reported in the literature in individuals affected with SPATA5-related conditions. ClinVar contains an entry for this variant (Variation ID: 475731). Advanced modeling of protein sequence and biophysical properties (such as structural, functional, and spatial information, amino acid conservation, physicochemical variation, residue mobility, and thermodynamic stability) has been performed at Invitae for this missense variant, however the output from this modeling did not meet the statistical confidence thresholds required to predict the impact of this variant on SPATA5 protein function. In summary, the available evidence is currently insufficient to determine the role of this variant in disease. Therefore, it has been classified as a Variant of Uncertain Significance.

NM_145207.3(AFG2A):c.436G>A (p.Val146Met)

Gene: AFG2A (AFG2 AAA ATPase homolog A; plus strand). Cytogenetic location: 4q28.1.
Variant type: single nucleotide variant.
Coding change: c.436G>A on transcript NM_145207.3 (MANE Select); coding-DNA position 436, G replaced by A.
Protein change: p.Val146Met; replaces valine 146 with methionine.
Molecular consequence: missense variant.
Genome position (GRCh38, 1-based): chr4:122,929,187, G>A. VCF-style: chr4-122929187-G-A. GRCh37 (hg19) VCF-style: chr4-123850342-G-A.
Other names: c.433G>A, p.Val145Met (NM_001317799.2, NM_001345856.2); short protein forms V146M, V145M.
Identifiers: ClinVar variation 475731 (VCV000475731.12), dbSNP rs374771569, ClinGen allele CA3070207.
Genomic context (GRCh38, chr4:122,929,187, plus strand): 5'-GGTGATGCCATCCAGGTCCAGCCTCTTGTGGGTGCTGTGCTACAGGCTGAGGAAATGGAT[G>A]TGGCACTGAGGTTTGGCTCTTTTCTTTGGTGACTATCTGGATCAAAGCTGCCCAGTAGAA-3'
Protein context (NP_660208.2, residues 136-156): GAVLQAEEMD[Val146Met]ALSDKDMEIN